The following is an entry in ClinVar:

ClinVar aggregate classification (germline): Uncertain significance. Review status: criteria provided, multiple submitters, no conflicts (2 of 4 stars). 2 submissions from 2 submitters: Uncertain significance (2). Last evaluated 2025-06-22.

Submissions (2):

GeneDx
Classification: Uncertain significance. Last evaluated: 2025-06-22. Review status: criteria provided, single submitter. Criteria: GeneDx Variant Classification Process June 2021. Collection method: clinical testing. Allele origin: germline. Affected: yes.
Comment: Not observed at significant frequency in large population cohorts (gnomAD); In silico analysis supports that this missense variant has a deleterious effect on protein structure/function; Has not been previously published as pathogenic or benign to our knowledge

Blueprint Genetics
Classification: Uncertain significance. Last evaluated: 2023-02-22. Review status: criteria provided, single submitter. Criteria: ACMG Guidelines, 2015. Collection method: clinical testing. Allele origin: germline.

NM_004113.6(FGF12):c.14-47655C>T

Gene: FGF12 (fibroblast growth factor 12; minus strand). Cytogenetic location: 3q28.
Variant type: single nucleotide variant.
Coding change: c.14-47655C>T on transcript NM_004113.6 (MANE Select); 47655 bases into the intron before coding-DNA position 14, C replaced by T.
Molecular consequence: intron variant. On other transcripts: missense variant (1).
Genome position (GRCh38, 1-based): chr3:192,408,193, G>A on the plus strand (C>T on the coding strand, the complement: FGF12 is on the minus strand). VCF-style: chr3-192408193-G-A. GRCh37 (hg19) VCF-style: chr3-192125982-G-A.
Other names: c.31C>T, p.Arg11Trp (NM_021032.5); c.-59-47655C>T (NM_001377293.1); c.14-72729C>T (NM_001377292.1); c.-60+1319C>T (NM_001377294.1); short protein forms R11W.
Identifiers: ClinVar variation 4538807 (VCV004538807.2).